The following is an entry in ClinVar:

NM_000313.4(PROS1):c.447G>T (p.Trp149Cys)

Gene: PROS1 (protein S; minus strand). Cytogenetic location: 3q11.1.
Variant type: single nucleotide variant.
Coding change: c.447G>T on transcript NM_000313.4 (MANE Select); coding-DNA position 447, G replaced by T.
Protein change: p.Trp149Cys; replaces tryptophan 149 with cysteine.
Molecular consequence: missense variant.
Genome position (GRCh38, 1-based): chr3:93,906,043, C>A on the plus strand (G>T on the coding strand, the complement: PROS1 is on the minus strand). VCF-style: chr3-93906043-C-A. GRCh37 (hg19) VCF-style: chr3-93624887-C-A.
Other names: c.543G>T, p.Trp181Cys (NM_001314077.2); short protein forms W149C, W181C.
Identifiers: ClinVar variation 1992367 (VCV001992367.2), dbSNP rs2472142959, ClinGen allele CA353673734.

ClinVar aggregate classification (germline): Conflicting classifications of pathogenicity. Review status: criteria provided, conflicting classifications (1 of 4 stars). 3 submissions from 3 submitters: Likely pathogenic (1); Uncertain significance (1). 1 of the submissions does not count toward it. Last evaluated 2025-02-20.

Conditions:
Thrombophilia due to protein S deficiency, autosomal dominant (THPH5). Identifiers: Orphanet 26349, Orphanet 743, MedGen C3278211, MONDO:0012868, OMIM 612336. Disease mechanism: loss of function.
Thrombophilia due to protein S deficiency, autosomal recessive (THPH6). Identifiers: Orphanet 743, MedGen C3281092, MONDO:0013791, OMIM 614514. Disease mechanism: loss of function.

Allele frequency attached by ClinVar (database versions not stated): gnomAD exomes below 0.00001.
gnomAD v4.1: 1 of 1,614,092 alleles (0.000062%); highest among the groups gnomAD compares: Non-Finnish European, 0.000085%; no homozygotes.

Submissions (3):

Labcorp Genetics (formerly Invitae), Labcorp
Classification: Uncertain significance for Thrombophilia due to protein S deficiency, autosomal recessive. Last evaluated: 2025-02-20. Review status: criteria provided, single submitter. Criteria: Invitae Variant Classification Sherloc (09022015). Collection method: clinical testing. Allele origin: germline.
Comment: This sequence change replaces tryptophan, which is neutral and slightly polar, with cysteine, which is neutral and slightly polar, at codon 149 of the PROS1 protein (p.Trp149Cys). This variant is not present in population databases (gnomAD no frequency). This missense change has been observed in individual(s) with Protein S deficiency disease (PMID: 11776305). This variant is also known as W108C. ClinVar contains an entry for this variant (Variation ID: 1992367). Invitae Evidence Modeling of protein sequence and biophysical properties (such as structural, functional, and spatial information, amino acid conservation, physicochemical variation, residue mobility, and thermodynamic stability) indicates that this missense variant is expected to disrupt PROS1 protein function with a positive predictive value of 80%. In summary, the available evidence is currently insufficient to determine the role of this variant in disease. Therefore, it has been classified as a Variant of Uncertain Significance.

MVZ Martinsried, Medicover Genetics
Classification: Likely pathogenic for Thrombophilia due to protein S deficiency, autosomal dominant. Last evaluated: 2022-04-07. Review status: criteria provided, single submitter. Criteria: ACGS Guidelines, 2020. Collection method: clinical testing. Allele origin: unknown. Affected: yes.

Department of Transfusion Medicine and Hemostaseology, University Hospital Erlangen
Classification: Uncertain significance for Thrombophilia due to protein S deficiency, autosomal dominant. Last evaluated: 2025-09-01. Review status: no assertion criteria provided. Collection method: clinical testing. Allele origin: germline. Not counted in ClinVar's aggregate classification.
Comment: This variant was identified during a screening of patients with suspected hereditary Protein S deficiency. It has been described in the literature as associated with protein S deficiency (PMID: 11776305), but has not been characterized in vitro. No allele frequency is reported in dbSNP. Several in silico variant effect prediction tools (PolyPhen-2, SIFT, AlphaMissense) classify this variant as likely pathogenic. Taken together, we classified this variant as of uncertain significance.

Literature cited by the submitters: PubMed 11776305 (cited by Labcorp Genetics (formerly Invitae), Labcorp and Department of Transfusion Medicine and Hemostaseology, University Hospital Erlangen).